The following is an entry in ClinVar:

ClinVar aggregate classification (germline): Uncertain significance (1 of 4 stars; one submission).

Submission:

Clinical Genomics Laboratory, Laboratory for Precision Diagnostics, University of Washington
Classification: Uncertain significance. Last evaluated: 2016-06-08. Review status: criteria provided, single submitter. Criteria: Clinical Cytogenomics Laboratory Policy on CNV Interpretation. Collection method: clinical testing. Allele origin: unknown. Affected: yes. Observed: 1 variant allele.

GRCh37/hg19 2p25.3(chr2:14238-226999)x3

Genes: FAM110C (family with sequence similarity 110 member C; minus strand), SH3YL1 (SH3 and SYLF domain containing 1; minus strand). Cytogenetic location: 2p25.3.
Variant type: copy number gain.
Change: copy number 3 (three copies instead of two) of chr2:14,238-226,999 (212.8 kb, GRCh37 coordinates, 1-based), cytogenetic band 2p25.3.
Identifiers: ClinVar variation 252978 (VCV000252978.3).